The following is an entry in ClinVar:

NM_001003800.2(BICD2):c.1438G>A (p.Ala480Thr)

Gene: BICD2 (BICD cargo adaptor 2; minus strand). Cytogenetic location: 9q22.31.
Variant type: single nucleotide variant.
Coding change: c.1438G>A on transcript NM_001003800.2 (MANE Select); coding-DNA position 1438, G replaced by A.
Protein change: p.Ala480Thr; replaces alanine 480 with threonine.
Molecular consequence: missense variant.
Genome position (GRCh38, 1-based): chr9:92,719,207, C>T on the plus strand (G>A on the coding strand, the complement: BICD2 is on the minus strand). VCF-style: chr9-92719207-C-T. GRCh37 (hg19) VCF-style: chr9-95481489-C-T.
Other names: c.1438G>A, p.Ala480Thr (NM_015250.4); short protein forms A480T.
Identifiers: ClinVar variation 439434 (VCV000439434.18), dbSNP rs140188204, ClinGen allele CA5126556.

ClinVar aggregate classification (germline): Conflicting classifications of pathogenicity. Review status: criteria provided, conflicting classifications (1 of 4 stars). 3 submissions from 3 submitters: Uncertain significance (1); Likely benign (2). Last evaluated 2025-10-07.

Conditions:
Inborn genetic diseases. Identifiers: MedGen C0950123, MeSH D030342.
Autosomal dominant childhood-onset proximal spinal muscular atrophy with contractures (SMALED2A). Also called: SPINAL MUSCULAR ATROPHY, LOWER EXTREMITY-PREDOMINANT, 2A, CHILDHOOD ONSET, AUTOSOMAL DOMINANT; Spinal muscular atrophy, lower extremity-predominant, 2A, autosomal dominant. Identifiers: Orphanet 363447, Orphanet 363454, MedGen C4747715, MONDO:0014121, OMIM 615290.

Allele frequency attached by ClinVar (database versions not stated): ExAC 0.00003; gnomAD exomes 0.00003 and 0.00020; TOPMed 0.00007; ESP Exome Variant Server 0.00008; gnomAD 0.00011.
gnomAD v4.1: 295 of 1,610,924 alleles (0.018%); highest among the groups gnomAD compares: Non-Finnish European, 0.025%; no homozygotes.

Submissions (3):

Labcorp Genetics (formerly Invitae), Labcorp
Classification: Likely benign for Autosomal dominant childhood-onset proximal spinal muscular atrophy with contractures. Last evaluated: 2025-10-07. Review status: criteria provided, single submitter. Criteria: Invitae Variant Classification Sherloc (09022015). Collection method: clinical testing. Allele origin: germline.

Ambry Genetics
Classification: Likely benign for Inborn genetic diseases. Last evaluated: 2021-06-11. Review status: criteria provided, single submitter. Criteria: Ambry Variant Classification Scheme 2023. Collection method: clinical testing. Allele origin: germline.

ARUP Laboratories, Molecular Genetics and Genomics, ARUP Laboratories
Classification: Uncertain significance. Last evaluated: 2019-06-10. Review status: criteria provided, single submitter. Criteria: ARUP Molecular Germline Variant Investigation Process. Collection method: clinical testing. Allele origin: germline.
Comment: The p.Ala480Thr variant (rs140188204) has not been reported in the medical literature and is not listed in gene-specific variant databases. It is listed in the Genome Aggregation Database (gnomAD) browser with a frequency in non-Finnish Europeans of 0.008% (identified in 10 out of 126,380 chromosomes). The alanine at codon 480 is moderately conserved considering 14 species (Alamut software v2.8.1), and computational analyses return mixed results regarding the effect of this variant on BICD2 protein structure/function (SIFT: tolerated, PolyPhen2: benign, and Mutation Taster: disease causing). Thus, based on the available information, the clinical significance of the p.Ala480Thr variant cannot be determined with certainty.